The following is an entry in ClinVar:

ClinVar aggregate classification (germline): Uncertain significance (1 of 4 stars; one submission).

Allele frequency attached by ClinVar (database versions not stated): TOPMed below 0.00001; gnomAD exomes 0.00001.
gnomAD v4.1: 10 of 1,614,128 alleles (0.00062%); highest among the groups gnomAD compares: Non-Finnish European, 0.00085%; no homozygotes.

Submission:

Labcorp Genetics (formerly Invitae), Labcorp
Classification: Uncertain significance. Last evaluated: 2021-06-28. Review status: criteria provided, single submitter. Criteria: Invitae Variant Classification Sherloc (09022015). Collection method: clinical testing. Allele origin: germline.
Comment: This sequence change replaces threonine with proline at codon 1233 of the FN1 protein (p.Thr1233Pro). The threonine residue is moderately conserved and there is a small physicochemical difference between threonine and proline. This variant is not present in population databases (ExAC no frequency). This variant has not been reported in the literature in individuals with FN1-related conditions. Algorithms developed to predict the effect of missense changes on protein structure and function are either unavailable or do not agree on the potential impact of this missense change (SIFT: "Not Available"; PolyPhen-2: "Possibly Damaging"; Align-GVGD: "Not Available"). In summary, the available evidence is currently insufficient to determine the role of this variant in disease. Therefore, it has been classified as a Variant of Uncertain Significance.

NM_212482.4(FN1):c.3697A>C (p.Thr1233Pro)

Gene: FN1 (fibronectin 1; minus strand). Cytogenetic location: 2q35.
Variant type: single nucleotide variant.
Coding change: c.3697A>C on transcript NM_212482.4 (MANE Select); coding-DNA position 3697, A replaced by C.
Protein change: p.Thr1233Pro; replaces threonine 1233 with proline.
Molecular consequence: missense variant.
Genome position (GRCh38, 1-based): chr2:215,394,627, T>G on the plus strand (A>C on the coding strand, the complement: FN1 is on the minus strand). VCF-style: chr2-215394627-T-G. GRCh37 (hg19) VCF-style: chr2-216259350-T-G.
Other names: c.3697A>C, p.Thr1233Pro (NM_001306129.2, NM_001306130.2, NM_001306131.2 and 13 more transcripts); short protein forms T1233P.
Identifiers: ClinVar variation 1484437 (VCV001484437.8), dbSNP rs998969140, ClinGen allele CA64866452.